The following is an entry in ClinVar:

ClinVar aggregate classification (germline): Pathogenic (1 of 4 stars; one submission).

Submission:

Labcorp Genetics (formerly Invitae), Labcorp
Classification: Pathogenic. Last evaluated: 2022-05-03. Review status: criteria provided, single submitter. Criteria: Invitae Variant Classification Sherloc (09022015). Collection method: clinical testing. Allele origin: germline.
Comment: For these reasons, this variant has been classified as Pathogenic. This variant has not been reported in the literature in individuals affected with PDE6C-related conditions. This variant is not present in population databases (gnomAD no frequency). This sequence change creates a premature translational stop signal (p.Glu712Aspfs*10) in the PDE6C gene. It is expected to result in an absent or disrupted protein product. Loss-of-function variants in PDE6C are known to be pathogenic (PMID: 19887631, 23776498, 26103963, 30080950).

Literature cited by the submitters: PubMed 19887631; PubMed 23776498; PubMed 26103963; PubMed 30080950.

NM_006204.4(PDE6C):c.2136_2140del (p.Glu712fs)

Gene: PDE6C (phosphodiesterase 6C; plus strand). Cytogenetic location: 10q23.33.
Variant type: Deletion.
Coding change: c.2136_2140del on transcript NM_006204.4 (MANE Select); coding-DNA positions 2136 to 2140, 5 bases deleted (GATTA; older notation c.2136_2140delGATTA).
Protein change: p.Glu712fs; shifts the reading frame from glutamic acid 712.
Molecular consequence: frameshift variant.
Genome position (GRCh38, 1-based): chr10:93,659,000-93,659,004, GATTA deleted; deleting any 5 consecutive bases within chr10:93,658,999-93,659,004 gives the same sequence; the c. name uses the placement nearest the transcript's 3' end. VCF-style (leftmost placement, unchanged base first): chr10-93658998-GAGATT-G. GRCh37 (hg19) VCF-style: chr10-95418755-GAGATT-G.
Other names: short protein forms E712fs.
Identifiers: ClinVar variation 1408090 (VCV001408090.4), dbSNP rs2058653940, ClinGen allele CA1928721785.